The following is an entry in ClinVar:

NM_025081.3(NYNRIN):c.2643-5T>C

Gene: NYNRIN (NYN domain and retroviral integrase containing; plus strand). Cytogenetic location: 14q12.
Variant type: single nucleotide variant.
Coding change: c.2643-5T>C on transcript NM_025081.3 (MANE Select); 5 bases into the intron before coding-DNA position 2643, T replaced by C.
Molecular consequence: intron variant.
Genome position (GRCh38, 1-based): chr14:24,412,992, T>C. VCF-style: chr14-24412992-T-C. GRCh37 (hg19) VCF-style: chr14-24882198-T-C.
Identifiers: ClinVar variation 3669276 (VCV003669276.2).

ClinVar aggregate classification (germline): Uncertain significance (1 of 4 stars; one submission).

gnomAD v4.1: 90 of 1,584,740 alleles (0.0057%); highest among the groups gnomAD compares: African/African-American, 0.098%; no homozygotes.

Submission:

Labcorp Genetics (formerly Invitae), Labcorp
Classification: Uncertain significance. Last evaluated: 2025-01-05. Review status: criteria provided, single submitter. Criteria: Invitae Variant Classification Sherloc (09022015). Collection method: clinical testing. Allele origin: germline.
Comment: This sequence change falls in intron 6 of the NYNRIN gene. It does not directly change the encoded amino acid sequence of the NYNRIN protein. The frequency data for this variant in the population databases is considered unreliable, as metrics indicate poor data quality at this position in the gnomAD database. This variant has not been reported in the literature in individuals affected with NYNRIN-related conditions. Experimental studies and prediction algorithms are not available or were not evaluated, and the effect of this variant on mRNA splicing is currently unknown. In summary, the available evidence is currently insufficient to determine the role of this variant in disease. Therefore, it has been classified as a Variant of Uncertain Significance.